The following is an entry in ClinVar:

NM_001101362.3(KBTBD13):c.145C>T (p.Arg49Cys)

Gene: KBTBD13 (kelch repeat and BTB domain containing 13; plus strand). Cytogenetic location: 15q22.31.
Variant type: single nucleotide variant.
Coding change: c.145C>T on transcript NM_001101362.3 (MANE Select); coding-DNA position 145, C replaced by T.
Protein change: p.Arg49Cys; replaces arginine 49 with cysteine.
Molecular consequence: missense variant.
Genome position (GRCh38, 1-based): chr15:65,076,960, C>T. VCF-style: chr15-65076960-C-T. GRCh37 (hg19) VCF-style: chr15-65369298-C-T.
Other names: short protein forms R49C.
Identifiers: ClinVar variation 2975877 (VCV002975877.4), dbSNP rs886663567, ClinGen allele CA271502886.

ClinVar aggregate classification (germline): Uncertain significance. Review status: criteria provided, multiple submitters, no conflicts (2 of 4 stars). 2 submissions from 2 submitters: Uncertain significance (2). Last evaluated 2024-01-08.

Conditions:
Nemaline myopathy 6 (NEM6). Also called: Nemaline myopathy 6, autosomal dominant. Identifiers: Orphanet 171439, MedGen C1836472, MONDO:0012237, OMIM 609273.
Inborn genetic diseases. Identifiers: MedGen C0950123, MeSH D030342.

Submissions (2):

Ambry Genetics
Classification: Uncertain significance for Inborn genetic diseases. Last evaluated: 2024-01-08. Review status: criteria provided, single submitter. Criteria: Ambry Variant Classification Scheme 2023. Collection method: clinical testing. Allele origin: germline.

Labcorp Genetics (formerly Invitae), Labcorp
Classification: Uncertain significance for Nemaline myopathy 6. Last evaluated: 2023-09-14. Review status: criteria provided, single submitter. Criteria: Invitae Variant Classification Sherloc (09022015). Collection method: clinical testing. Allele origin: germline.
Comment: In summary, the available evidence is currently insufficient to determine the role of this variant in disease. Therefore, it has been classified as a Variant of Uncertain Significance. Advanced modeling of protein sequence and biophysical properties (such as structural, functional, and spatial information, amino acid conservation, physicochemical variation, residue mobility, and thermodynamic stability) performed at Invitae indicates that this missense variant is not expected to disrupt KBTBD13 protein function. This variant has not been reported in the literature in individuals affected with KBTBD13-related conditions. The frequency data for this variant in the population databases is considered unreliable, as metrics indicate poor data quality at this position in the gnomAD database. This sequence change replaces arginine, which is basic and polar, with cysteine, which is neutral and slightly polar, at codon 49 of the KBTBD13 protein (p.Arg49Cys).